The following is an entry in ClinVar:

NM_007294.4(BRCA1):c.5284A>C (p.Arg1762=)

Gene: BRCA1 (BRCA1 DNA repair associated; minus strand). Cytogenetic location: 17q21.31.
Variant type: single nucleotide variant.
Coding change: c.5284A>C on transcript NM_007294.4 (MANE Select); coding-DNA position 5284, A replaced by C.
Protein change: p.Arg1762=; no amino-acid change (arginine 1762 retained).
Molecular consequence: synonymous variant. On other transcripts: intron variant (2).
Genome position (GRCh38, 1-based): chr17:43,051,111, T>G on the plus strand (A>C on the coding strand, the complement: BRCA1 is on the minus strand). VCF-style: chr17-43051111-T-G. GRCh37 (hg19) VCF-style: chr17-41203128-T-G.
Other names: c.5071A>C, p.Arg1691= (NM_001407571.1, NM_001407894.1, NM_001407895.1 and 12 more transcripts); c.5350A>C, p.Arg1784= (NM_001407581.1, NM_001407582.1); c.5347A>C, p.Arg1783= (NM_001407583.1, NM_001407585.1, NM_001407587.1 and 1 more transcripts); c.1852A>C, p.Arg618= (NM_001408429.1, NM_001408430.1, NM_001408431.1 and 4 more transcripts); c.5344A>C, p.Arg1782= (NM_001407590.1, NM_001407591.1); c.5284A>C, p.Arg1762= (NM_001407593.1, NM_001407594.1, NM_001407596.1 and 6 more transcripts); c.1849A>C, p.Arg617= (NM_001408432.1, NM_001408433.1, NM_001408434.1 and 10 more transcripts); c.5281A>C, p.Arg1761= (NM_001407610.1, NM_001407611.1, NM_001407612.1 and 17 more transcripts); and 74 more.
Identifiers: ClinVar variation 867953 (VCV000867953.3), dbSNP rs2051212335, ClinGen allele CA500143602.

Conditions:
Breast-ovarian cancer, familial, susceptibility to, 1 (BROVCA1). Also called: BRCA1 Hereditary Breast and Ovarian Cancer; OVARIAN CANCER, SUSCEPTIBILITY TO. Identifiers: Orphanet 145, MedGen C2676676, MONDO:0011450, OMIM 604370. Disease mechanism: loss of function.

Submission:

Brotman Baty Institute, University of Washington
No classification provided (evidence only). Condition: Breast-ovarian cancer, familial 1. Review status: no classification provided. Collection method: in vitro. Allele origin: not applicable. Functional consequence: functionally_normal.
ClinVar note: "not provided" was previously submitted as the classification for the variant. However, the classification appeared to be based only on an observation of functional data so it was converted to no classification on 2025-07-30.